The following is an entry in ClinVar:

ClinVar aggregate classification (germline): Pathogenic/Likely pathogenic. Review status: criteria provided, multiple submitters, no conflicts (2 of 4 stars). 2 submissions from 2 submitters: Pathogenic (1); Likely pathogenic (1). Last evaluated 2025-04-21.

Conditions:
Autoinflammatory disease, familial, Behcet-like-3. Also called: Mucocutaneous ulceration, chronic. Identifiers: Orphanet 596759, MedGen C4748997, MONDO:0032659, OMIM 618287.

Submissions (2):

Variantyx, Inc.
Classification: Likely pathogenic for Autoinflammatory disease, familial, Behcet-like-3. Last evaluated: 2025-04-21. Review status: criteria provided, single submitter. Criteria: Variantyx Assertion Criteria 2022. Collection method: clinical testing. Allele origin: germline. Inheritance: Autosomal dominant inheritance. Affected: no.
Comment: This is a frameshift variant in the RELA gene (OMIM: 164014). Pathogenic variants in this gene have been associated with autosomal dominant familial Behcet-like autoinflammatory disease 3. This variant introduces a premature termination codon in exon 11 out of 11 and is expected to result in loss of function, which is a known disease mechanism for RELA in this disorder (PMID: 28600438) (PVS1). This variant is absent from control populations (PM2) and it has not been reported in individuals with RELA-related disorders in the databases available for review. Based on the current evidence, this variant is classified as likely pathogenic for autosomal dominant familial Behcet-like autoinflammatory disease 3.

Labcorp Genetics (formerly Invitae), Labcorp
Classification: Pathogenic. Last evaluated: 2023-09-23. Review status: criteria provided, single submitter. Criteria: Invitae Variant Classification Sherloc (09022015). Collection method: clinical testing. Allele origin: germline.
Comment: For these reasons, this variant has been classified as Pathogenic. This variant disrupts a region of the RELA protein in which other variant(s) (p.His487Thrfs*7) have been determined to be pathogenic (PMID: 32969189). This suggests that this is a clinically significant region of the protein, and that variants that disrupt it are likely to be disease-causing. ClinVar contains an entry for this variant (Variation ID: 2114288). This variant has not been reported in the literature in individuals affected with RELA-related conditions. This variant is not present in population databases (gnomAD no frequency). This sequence change creates a premature translational stop signal (p.Gln389Leufs*19) in the RELA gene. While this is not anticipated to result in nonsense mediated decay, it is expected to disrupt the last 163 amino acid(s) of the RELA protein.

Literature cited by the submitters: PubMed 28600438 (cited by Variantyx, Inc.); PubMed 32969189 (cited by Labcorp Genetics (formerly Invitae), Labcorp).

NM_021975.4(RELA):c.1166_1184del (p.Gln389fs)

Gene: RELA (RELA proto-oncogene, NF-kB subunit; minus strand). Cytogenetic location: 11q13.1.
Variant type: Deletion.
Coding change: c.1166_1184del on transcript NM_021975.4 (MANE Select); coding-DNA positions 1166 to 1184, 19 bases deleted (AGGCTCCAGCCCCTGCCCC).
Protein change: p.Gln389fs; shifts the reading frame from glutamine 389.
Molecular consequence: frameshift variant. On other transcripts: intron variant (1).
Genome position (GRCh38, 1-based): chr11:65,654,850-65,654,868, GGGGCAGGGGCTGGAGCCT deleted on the plus strand (AGGCTCCAGCCCCTGCCCC on the coding strand, the reverse complement: RELA is on the minus strand); deleting any 19 consecutive bases within chr11:65,654,850-65,654,876 gives the same sequence; the c. name uses the placement nearest the transcript's 3' end. VCF-style (leftmost placement, unchanged base first): chr11-65654849-AGGGGCAGGGGCTGGAGCCT-A. GRCh37 (hg19) VCF-style: chr11-65422320-AGGGGCAGGGGCTGGAGCCT-A.
Other names: c.1157_1175del, p.Gln386fs (NM_001145138.2); c.1166_1184del, p.Gln389fs (NM_001243985.2); c.1191_1209del19, p.Gln400Leufs (NM_001404657.1); c.1131_1149del19, p.Gln380Leufs (NM_001404658.1); c.945_963del19, p.Gln318Leufs (NM_001404659.1); c.840_858del19, p.Gln283Leufs (NM_001404660.1); c.777_795del19, p.Gln262Leufs (NM_001404661.1); c.1065_1083del19, p.Gln358Leufs (NM_001404662.1, NM_001404663.1); and 1 more; short protein forms Q386fs, Q389fs.
Identifiers: ClinVar variation 2114288 (VCV002114288.4), dbSNP rs2496827042, ClinGen allele CA2580084475.
Genomic context (GRCh38, chr11:65,654,849, plus strand): 5'-TGGGGCTAGGACTGGGACAGGGGCTGGGGCCTGGGCCAGAGCTGATACCATGGCTGGAGC[AGGGGCAGGGGCTGGAGCCT>A]GGGGCAGGACTTGGGGAGGGGCCGGGGCCAAGGCCGAGGCCTGGCTGATCTGCCCAGAAG-3'